The following is an entry in ClinVar:

ClinVar aggregate classification (germline): Benign. Review status: criteria provided, multiple submitters, no conflicts (2 of 4 stars). 5 submissions from 5 submitters: Benign (4). 1 of the submissions does not count toward it. Last evaluated 2026-01-19.

Conditions:
ENTPD1-related disorder. Also called: ENTPD1-related condition.
Hereditary spastic paraplegia 64. Also called: ENTPD1-Related Neurodevelopmental Disorder; Spastic paraplegia 64, autosomal recessive. Identifiers: Orphanet 401810, MedGen C3810289, MONDO:0014303, OMIM 615683.
Hereditary spastic paraplegia. Also called: Familial spastic paraparesis. Identifiers: Orphanet 685, MedGen C0037773, MONDO:0019064. Disease mechanism: loss of function.

Allele frequency attached by ClinVar (database versions not stated): gnomAD 0.01829 and 0.01729; TOPMed 0.01923; ESP Exome Variant Server 0.02099; 1000 Genomes Project 0.02316; 1000 Genomes Project 30x 0.02405; gnomAD exomes 0.00548; ExAC 0.00631.

Submissions (5):

Labcorp Genetics (formerly Invitae), Labcorp
Classification: Benign for Hereditary spastic paraplegia 64. Last evaluated: 2026-01-19. Review status: criteria provided, single submitter. Criteria: Invitae Variant Classification Sherloc (09022015). Collection method: clinical testing. Allele origin: germline.

Genome Diagnostics Laboratory, The Hospital for Sick Children
Classification: Benign for Hereditary spastic paraplegia. Last evaluated: 2022-01-17. Review status: criteria provided, single submitter. Criteria: ACMG Guidelines, 2015. Collection method: clinical testing. Allele origin: germline. Affected: yes.

GeneDx
Classification: Benign. Last evaluated: 2021-05-05. Review status: criteria provided, single submitter. Criteria: GeneDx Variant Classification Process June 2021. Collection method: clinical testing. Allele origin: germline. Affected: yes.

Breakthrough Genomics
Classification: Benign. Review status: criteria provided, single submitter. Criteria: ACMG Guidelines, 2015. Collection method: not provided. Allele origin: germline. Inheritance: Autosomal recessive inheritance. Affected: yes.

PreventionGenetics, part of Exact Sciences
Classification: Benign for ENTPD1-related condition. Last evaluated: 2020-01-03. Review status: no assertion criteria provided. Collection method: clinical testing. Allele origin: germline. Not counted in ClinVar's aggregate classification.
Comment: This variant is classified as benign based on ACMG/AMP sequence variant interpretation guidelines (Richards et al. 2015 PMID: 25741868, with internal and published modifications).

NM_001776.6(ENTPD1):c.877G>A (p.Val293Ile)

Genes: ENTPD1-AS1 (ENTPD1 antisense RNA 1; minus strand), ENTPD1 (ectonucleoside triphosphate diphosphohydrolase 1; plus strand). Cytogenetic location: 10q24.1.
Variant type: single nucleotide variant.
Coding change: c.877G>A on transcript NM_001776.6 (MANE Select); coding-DNA position 877, G replaced by A.
Protein change: p.Val293Ile; replaces valine 293 with isoleucine.
Molecular consequence: missense variant. On other transcripts: intron variant (1).
Genome position (GRCh38, 1-based): chr10:95,847,509, G>A. VCF-style: chr10-95847509-G-A. GRCh37 (hg19) VCF-style: chr10-97607266-G-A.
Other names: c.898G>A, p.Val300Ile (NM_001098175.2); c.913G>A, p.Val305Ile (NM_001164178.1, NM_001320916.1); c.553G>A, p.Val185Ile (NM_001164181.1, NM_001312654.1); c.463G>A, p.Val155Ile (NM_001164182.2, NM_001164183.2); c.814-60G>A (NM_001164179.2); short protein forms V155I, V185I, V305I, V293I, V300I.
Identifiers: ClinVar variation 703843 (VCV000703843.20), dbSNP rs3793744, ClinGen allele CA5621495.